The following is an entry in ClinVar:

ClinVar aggregate classification (germline): Conflicting classifications of pathogenicity. Review status: criteria provided, conflicting classifications (1 of 4 stars). 2 submissions from 2 submitters: Likely pathogenic (1); Uncertain significance (1). Last evaluated 2025-04-01.

Conditions:
Dystonia 12 (DYT12). Also called: Rapid-Onset Dystonia-Parkinsonism (RDP); DYT-ATP1A3. Identifiers: Orphanet 71517, MedGen C1868681, MONDO:0007496, OMIM 128235.

Submissions (2):

Labcorp Genetics (formerly Invitae), Labcorp
Classification: Uncertain significance for Dystonia 12. Last evaluated: 2025-04-01. Review status: criteria provided, single submitter. Criteria: Invitae Variant Classification Sherloc (09022015). Collection method: clinical testing. Allele origin: germline.
Comment: This sequence change replaces aspartic acid, which is acidic and polar, with histidine, which is basic and polar, at codon 992 of the ATP1A3 protein (p.Asp992His). This variant is not present in population databases (gnomAD no frequency). This variant has not been reported in the literature in individuals affected with ATP1A3-related conditions. ClinVar contains an entry for this variant (Variation ID: 574822). Invitae Evidence Modeling of protein sequence and biophysical properties (such as structural, functional, and spatial information, amino acid conservation, physicochemical variation, residue mobility, and thermodynamic stability) indicates that this missense variant is expected to disrupt ATP1A3 protein function with a positive predictive value of 95%. This variant disrupts the p.Asp992 amino acid residue in ATP1A3. Other variant(s) that disrupt this residue have been observed in individuals with ATP1A3-related conditions (PMID: 22842232; internal data), which suggests that this may be a clinically significant amino acid residue. In summary, the available evidence is currently insufficient to determine the role of this variant in disease. Therefore, it has been classified as a Variant of Uncertain Significance.

GeneDx
Classification: Likely pathogenic. Last evaluated: 2024-06-18. Review status: criteria provided, single submitter. Criteria: GeneDx Variant Classification Process June 2021. Collection method: clinical testing. Allele origin: germline. Affected: yes.
Comment: Identified in a patient with alternating hemiplegia of childhood in published literature (PMID: 31709820); Not observed at significant frequency in large population cohorts (gnomAD); In silico analysis supports that this missense variant has a deleterious effect on protein structure/function; This variant is associated with the following publications: (PMID: 31709820)

Literature cited by the submitters: PubMed 22842232 (cited by Labcorp Genetics (formerly Invitae), Labcorp).

NM_152296.5(ATP1A3):c.2974G>C (p.Asp992His)

Gene: ATP1A3 (ATPase Na+/K+ transporting subunit alpha 3; minus strand). Cytogenetic location: 19q13.2.
Variant type: single nucleotide variant.
Coding change: c.2974G>C on transcript NM_152296.5 (MANE Select); coding-DNA position 2974, G replaced by C.
Protein change: p.Asp992His; replaces aspartic acid 992 with histidine.
Molecular consequence: missense variant.
Genome position (GRCh38, 1-based): chr19:41,967,288, C>G on the plus strand (G>C on the coding strand, the complement: ATP1A3 is on the minus strand). VCF-style: chr19-41967288-C-G. GRCh37 (hg19) VCF-style: chr19-42471440-C-G.
Other names: c.3007G>C, p.Asp1003His (NM_001256213.2); c.3013G>C, p.Asp1005His (NM_001256214.2); short protein forms D992H, D1005H, D1003H.
Identifiers: ClinVar variation 574822 (VCV000574822.11), dbSNP rs606231447, ClinGen allele CA406035074.